The following is an entry in ClinVar:

ClinVar aggregate classification (germline): Pathogenic (1 of 4 stars; one submission).

Conditions:
Primary ciliary dyskinesia 3. Identifiers: Orphanet 244, MedGen C1837618, MONDO:0012085, OMIM 608644.

Submission:

Myriad Genetics, Inc.
Classification: Pathogenic for Primary ciliary dyskinesia 3. Last evaluated: 2024-05-14. Review status: criteria provided, single submitter. Criteria: Myriad Autosomal Dominant, Autosomal Recessive and X-Linked Classification Criteria (2023). Collection method: clinical testing. Allele origin: unknown.
Comment: NM_001369.2(DNAH5):c.6145_6146ins17(I2049Rfs*11) is expected to be pathogenic in the context of primary ciliary dyskinesia, DNAH5-related. This variant is predicted to lead to an abnormal or absent protein product due to the creation of a premature termination codon in DNAH5, a gene where loss-of-function variants are known to be pathogenic. Please note: this variant was assessed in the context of healthy population screening.

NM_001369.3(DNAH5):c.6145_6146insGACTTTTTGTGCTCCTT (p.Ile2049fs)

Gene: DNAH5 (dynein axonemal heavy chain 5; minus strand). Cytogenetic location: 5p15.2.
Variant type: Insertion.
Coding change: c.6145_6146insGACTTTTTGTGCTCCTT on transcript NM_001369.3 (MANE Select); coding-DNA positions 6145 to 6146, GACTTTTTGTGCTCCTT inserted.
Protein change: p.Ile2049fs; shifts the reading frame from isoleucine 2049.
Molecular consequence: frameshift variant.
Genome position: GRCh38 VCF-style: chr5-13830129-A-AAAGGAGCACAAAAAGTC. GRCh37 (hg19) VCF-style: chr5-13830238-A-AAAGGAGCACAAAAAGTC.
Other names: short protein forms I2049fs.
Identifiers: ClinVar variation 5010981 (VCV005010981.1).
Genomic context (GRCh38, chr5:13,830,129, plus strand): 5'-TCTCCATCAGTAAAGATAAAAGACTTTTTGTGCTCCTTTTTACATGTCAGAATAATGGAA[A>AAAGGAGCACAAAAAGTC]TTTGCTGGGCTGCAACCGAGAGAACTGGTAGATCAATACGGTTAAATTCATCAAAACAAC-3'